The following is an entry in ClinVar:

ClinVar aggregate classification (germline): Uncertain significance (1 of 4 stars; one submission).

Submission:

Ambry Genetics
Classification: Uncertain significance. Last evaluated: 2022-09-17. Review status: criteria provided, single submitter. Criteria: Ambry Variant Classification Scheme 2023. Collection method: clinical testing. Allele origin: germline.
Comment: The p.H142Y variant (also known as c.424C>T), located in coding exon 6 of the RAD54L gene, results from a C to T substitution at nucleotide position 424. The histidine at codon 142 is replaced by tyrosine, an amino acid with similar properties. This amino acid position is conserved. In addition, this alteration is predicted to be deleterious by in silico analysis. Since supporting evidence is limited at this time, the clinical significance of this alteration remains unclear.

NM_003579.4(RAD54L):c.424C>T (p.His142Tyr)

Gene: RAD54L (RAD54 like; plus strand). Cytogenetic location: 1p34.1.
Variant type: single nucleotide variant.
Coding change: c.424C>T on transcript NM_003579.4 (MANE Select); coding-DNA position 424, C replaced by T.
Protein change: p.His142Tyr; replaces histidine 142 with tyrosine.
Molecular consequence: missense variant. On other transcripts: 5 prime UTR variant (1).
Genome position (GRCh38, 1-based): chr1:46,260,558, C>T. VCF-style: chr1-46260558-C-T. GRCh37 (hg19) VCF-style: chr1-46726230-C-T.
Other names: c.424C>T, p.His142Tyr (NM_001142548.2); c.-117C>T (NM_001370766.1); short protein forms H142Y.
Identifiers: ClinVar variation 1739066 (VCV001739066.2), dbSNP rs2525667346, ClinGen allele CA340184725.